The following is an entry in ClinVar:

ClinVar aggregate classification (germline): Uncertain significance (1 of 4 stars; one submission).

Conditions:
Regional enteritis. Also called: Enteritis, Granulomatous. Identifiers: MedGen C0678202, MeSH D003424.
Blau syndrome (BLAUS). Also called: ARTHROCUTANEOUVEAL GRANULOMATOSIS; GRANULOMATOSIS, FAMILIAL JUVENILE SYSTEMIC; GRANULOMATOSIS, FAMILIAL, BLAU TYPE; GRANULOMATOUS INFLAMMATORY ARTHRITIS, DERMATITIS, AND UVEITIS, FAMILIAL; JABS SYNDROME. Identifiers: Orphanet 90340, MedGen C5201146, MONDO:0008523, OMIM 186580.

Submission:

Labcorp Genetics (formerly Invitae), Labcorp
Classification: Uncertain significance for Regional enteritis; Blau syndrome. Last evaluated: 2023-12-18. Review status: criteria provided, single submitter. Criteria: Invitae Variant Classification Sherloc (09022015). Collection method: clinical testing. Allele origin: germline.
Comment: This sequence change creates a premature translational stop signal (p.Gln108*) in the NOD2 gene. It is expected to result in an absent or disrupted protein product. However, the current clinical and genetic evidence is not sufficient to establish whether loss-of-function variants in NOD2 cause disease. This variant is not present in population databases (gnomAD no frequency). This variant has not been reported in the literature in individuals affected with NOD2-related conditions. In summary, the available evidence is currently insufficient to determine the role of this variant in disease. Therefore, it has been classified as a Variant of Uncertain Significance.

NM_001370466.1(NOD2):c.241C>T (p.Gln81Ter)

Gene: NOD2 (nucleotide binding oligomerization domain containing 2; plus strand). Cytogenetic location: 16q12.1.
Variant type: single nucleotide variant.
Coding change: c.241C>T on transcript NM_001370466.1 (MANE Select); coding-DNA position 241, C replaced by T.
Protein change: p.Gln81Ter; replaces glutamine 81 with a stop codon.
Molecular consequence: nonsense. On other transcripts: non-coding transcript variant (1).
Genome position (GRCh38, 1-based): chr16:50,699,736, C>T. VCF-style: chr16-50699736-C-T. GRCh37 (hg19) VCF-style: chr16-50733647-C-T.
Other names: c.241C>T, p.Gln81Ter (NM_001293557.2); c.322C>T, p.Gln108Ter (NM_022162.3); short protein forms Q81*, Q108*.
Identifiers: ClinVar variation 2930087 (VCV002930087.3), dbSNP rs2509132991, ClinGen allele CA395866187.